The following is an entry in ClinVar:

ClinVar aggregate classification (germline): Uncertain significance. Review status: criteria provided, multiple submitters, no conflicts (2 of 4 stars). 4 submissions from 4 submitters: Uncertain significance (3). 1 of the submissions does not count toward it. Last evaluated 2025-01-06.

Conditions:
Hereditary cancer-predisposing syndrome. Also called: Hereditary Cancer Syndrome; Neoplastic Syndromes, Hereditary; Tumor predisposition; Hereditary neoplastic syndrome. Identifiers: Orphanet 140162, MedGen C0027672, MeSH D009386, MONDO:0015356.
Familial cancer of breast. Also called: BREAST CANCER, FAMILIAL; Hereditary breast cancer; hereditary breast carcinoma. Identifiers: Orphanet 227535, MedGen C0346153, MONDO:0016419, OMIM 114480. Disease mechanism: loss of function.
Ataxia-telangiectasia syndrome (AT). Also called: Cerebello-oculocutaneous telangiectasia; Immunodeficiency with ataxia telangiectasia; Ataxia-telangiectasia, complementation group E; Ataxia-telangiectasia, complementation group D; AT, COMPLEMENTATION GROUP C; ATAXIA-TELANGIECTASIA, COMPLEMENTATION GROUP A. Identifiers: Orphanet 100, MedGen C0004135, MONDO:0008840, OMIM 208900.

Allele frequency attached by ClinVar (database versions not stated): gnomAD exomes below 0.00001.
gnomAD v4.1: 1 of 1,593,406 alleles (0.000063%); highest among the groups gnomAD compares: African/African-American, 0.0013%; no homozygotes.

Submissions (4):

Labcorp Genetics (formerly Invitae), Labcorp
Classification: Uncertain significance for Ataxia-telangiectasia syndrome. Last evaluated: 2025-01-06. Review status: criteria provided, single submitter. Criteria: Invitae Variant Classification Sherloc (09022015). Collection method: clinical testing. Allele origin: germline.
Comment: This sequence change replaces glutamic acid, which is acidic and polar, with glycine, which is neutral and non-polar, at codon 1991 of the ATM protein (p.Glu1991Gly). This variant is not present in population databases (gnomAD no frequency). This missense change has been observed in individual(s) with breast cancer (PMID: 31871109). ClinVar contains an entry for this variant (Variation ID: 573153). Invitae Evidence Modeling of protein sequence and biophysical properties (such as structural, functional, and spatial information, amino acid conservation, physicochemical variation, residue mobility, and thermodynamic stability) indicates that this missense variant is not expected to disrupt ATM protein function with a negative predictive value of 95%. In summary, the available evidence is currently insufficient to determine the role of this variant in disease. Therefore, it has been classified as a Variant of Uncertain Significance.

Ambry Genetics
Classification: Uncertain significance for Hereditary cancer-predisposing syndrome. Last evaluated: 2024-02-21. Review status: criteria provided, single submitter. Criteria: Ambry Variant Classification Scheme 2023. Collection method: clinical testing. Allele origin: germline.
Comment: The p.E1991G variant (also known as c.5972A>G), located in coding exon 39 of the ATM gene, results from an A to G substitution at nucleotide position 5972. The glutamic acid at codon 1991 is replaced by glycine, an amino acid with similar properties. This variant has been reported in multiple individuals within a cohort of 3579 African individuals diagnosed with prostate cancer as well as a cohort of 196 African individuals diagnosed with breast cancer (Matejcic M et al. JCO Precis Oncol, 2020 Jan;4:32-43; Adedokun B et al. Cancer Epidemiol Biomarkers Prev, 2020 Feb;29:359-367). This amino acid position is well conserved in available vertebrate species. In addition, this alteration is predicted to be tolerated by in silico analysis. Based on the available evidence, the clinical significance of this alteration remains unclear.

KCCC/NGS Laboratory, Kuwait Cancer Control Center
Classification: Uncertain significance for Familial cancer of breast. Last evaluated: 2023-10-24. Review status: criteria provided, single submitter. Criteria: ACMG Guidelines, 2015. Collection method: clinical testing. Allele origin: germline. Inheritance: Autosomal dominant inheritance. Affected: yes. Observed: 1 heterozygote.
Comment: This sequence change replaces glutamic acid, which is acidic and polar, with glycine, which is neutral and non-polar, at codon 1991 of the ATM protein (p.Glu1991Gly). This variant is not present in population databases (gnomAD no frequency). This missense change has been observed in individual(s) with breast cancer (PMID: 31871109). ClinVar contains an entry for this variant (Variation ID: 573153). In-silico predictions show benign computationalverdict (SIFT: "Tolerated"; PolyPhen-2: "Probably Damaging"). In summary, the available evidence is currently insufficient to determine the role of this variant in disease. Therefore, it has been classified as a Variant of Uncertain Significance.

Natera, Inc.
Classification: Uncertain significance for Ataxia-telangiectasia. Last evaluated: 2020-09-16. Review status: no assertion criteria provided. Collection method: clinical testing. Allele origin: germline. Not counted in ClinVar's aggregate classification.

Literature cited by the submitters: PubMed 31871109 (cited by Labcorp Genetics (formerly Invitae), Labcorp and Ambry Genetics); PubMed 32832836 (cited by Ambry Genetics).

NM_000051.4(ATM):c.5972A>G (p.Glu1991Gly)

Genes: ATM (ATM serine/threonine kinase; plus strand), C11orf65 (chromosome 11 open reading frame 65; minus strand). Cytogenetic location: 11q22.3.
Variant type: single nucleotide variant.
Coding change: c.5972A>G on transcript NM_000051.4 (MANE Select); coding-DNA position 5972, A replaced by G.
Protein change: p.Glu1991Gly; replaces glutamic acid 1991 with glycine.
Molecular consequence: missense variant. On other transcripts: intron variant (2).
Genome position (GRCh38, 1-based): chr11:108,312,464, A>G. VCF-style: chr11-108312464-A-G. GRCh37 (hg19) VCF-style: chr11-108183191-A-G.
Other names: c.5972A>G, p.Glu1991Gly (NM_001351834.2); c.641-3393T>C (NM_001330368.2); c.*39-3393T>C (NM_001351110.2); short protein forms E1991G.
Identifiers: ClinVar variation 573153 (VCV000573153.11), dbSNP rs866824608, ClinGen allele CA228398322.